The following is an entry in ClinVar:

NM_004725.4(BUB3):c.788C>A (p.Pro263Gln)

Gene: BUB3 (BUB3 mitotic checkpoint protein; plus strand). Cytogenetic location: 10q26.13.
Variant type: single nucleotide variant.
Coding change: c.788C>A on transcript NM_004725.4 (MANE Select); coding-DNA position 788, C replaced by A.
Protein change: p.Pro263Gln; replaces proline 263 with glutamine.
Molecular consequence: missense variant.
Genome position (GRCh38, 1-based): chr10:123,162,645, C>A. VCF-style: chr10-123162645-C-A. GRCh37 (hg19) VCF-style: chr10-124922161-C-A.
Other names: c.788C>A, p.Pro263Gln (NM_001007793.3); short protein forms P263Q.
Identifiers: ClinVar variation 1761033 (VCV001761033.2), dbSNP rs2133570519, ClinGen allele CA378626915.

ClinVar aggregate classification (germline): Uncertain significance (1 of 4 stars; one submission).

Submission:

Ambry Genetics
Classification: Uncertain significance. Last evaluated: 2021-11-19. Review status: criteria provided, single submitter. Criteria: Ambry Variant Classification Scheme 2023. Collection method: clinical testing. Allele origin: germline.
Comment: The p.P263Q variant (also known as c.788C>A), located in coding exon 6 of the BUB3 gene, results from a C to A substitution at nucleotide position 788. The proline at codon 263 is replaced by glutamine, an amino acid with similar properties. This amino acid position is conserved. In addition, the in silico prediction for this alteration is inconclusive. Since supporting evidence is limited at this time, the clinical significance of this alteration remains unclear.